The following is an entry in ClinVar:

NM_144997.7(FLCN):c.1713C>T (p.Ser571=)

Gene: FLCN (folliculin; minus strand). Cytogenetic location: 17p11.2.
Variant type: single nucleotide variant.
Coding change: c.1713C>T on transcript NM_144997.7 (MANE Select); coding-DNA position 1713, C replaced by T.
Protein change: p.Ser571=; no amino-acid change (serine 571 retained).
Molecular consequence: synonymous variant.
Genome position (GRCh38, 1-based): chr17:17,213,682, G>A on the plus strand (C>T on the coding strand, the complement: FLCN is on the minus strand). VCF-style: chr17-17213682-G-A. GRCh37 (hg19) VCF-style: chr17-17116996-G-A.
Other names: c.1767C>T, p.Ser589= (NM_001353229.2); c.1713C>T, p.Ser571= (NM_001353230.2, NM_001353231.2).
Identifiers: ClinVar variation 1778602 (VCV001778602.6), dbSNP rs2144806345, ClinGen allele CA498163019.

ClinVar aggregate classification (germline): Benign/Likely benign. Review status: criteria provided, multiple submitters, no conflicts (2 of 4 stars). 3 submissions from 3 submitters: Benign (1); Likely benign (2). Last evaluated 2026-01-31.

Conditions:
Hereditary cancer-predisposing syndrome. Also called: Tumor predisposition; Neoplastic Syndromes, Hereditary; Hereditary Cancer Syndrome; Hereditary neoplastic syndrome. Identifiers: Orphanet 140162, MedGen C0027672, MeSH D009386, MONDO:0015356.
Birt-Hogg-Dube syndrome 1 (BHD1). Also called: FIBROFOLLICULOMAS WITH TRICHODISCOMAS AND ACROCHORDONS. Identifiers: Orphanet 122, MedGen CN375946, MONDO:0800445, OMIM 135150.
Birt-Hogg-Dube syndrome. Also called: Birt Hogg Dubé syndrome. Identifiers: Orphanet 122, MedGen C0346010, MONDO:0800444.

Allele frequency attached by ClinVar (database versions not stated): gnomAD exomes below 0.00001.

Submissions (3):

Labcorp Genetics (formerly Invitae), Labcorp
Classification: Likely benign for Birt-Hogg-Dube syndrome. Last evaluated: 2026-01-31. Review status: criteria provided, single submitter. Criteria: Invitae Variant Classification Sherloc (09022015). Collection method: clinical testing. Allele origin: germline.

Myriad Genetics, Inc.
Classification: Benign for Birt-Hogg-Dube syndrome 1. Last evaluated: 2024-10-28. Review status: criteria provided, single submitter. Criteria: Myriad Autosomal Dominant, Autosomal Recessive and X-Linked Classification Criteria (2023). Collection method: clinical testing. Allele origin: unknown.
Comment: This variant is considered benign. This variant is a silent/synonymous amino acid change and it is not expected to impact splicing.

Ambry Genetics
Classification: Likely benign for Hereditary cancer-predisposing syndrome. Last evaluated: 2022-01-18. Review status: criteria provided, single submitter. Criteria: Ambry Variant Classification Scheme 2023. Collection method: clinical testing. Allele origin: germline.